The following is an entry in ClinVar:

NM_000390.4(CHM):c.546T>A (p.Cys182Ter)

Gene: CHM (CHM Rab escort protein; minus strand). Cytogenetic location: Xq21.2.
Variant type: single nucleotide variant.
Coding change: c.546T>A on transcript NM_000390.4 (MANE Select); coding-DNA position 546, T replaced by A.
Protein change: p.Cys182Ter; replaces cysteine 182 with a stop codon.
Molecular consequence: nonsense.
Genome position (GRCh38, 1-based): chrX:85,963,821, A>T on the plus strand (T>A on the coding strand, the complement: CHM is on the minus strand). VCF-style: chrX-85963821-A-T. GRCh37 (hg19) VCF-style: chrX-85218826-A-T.
Other names: c.102T>A, p.Cys34Ter (NM_001362519.1, NM_001320959.1, NM_001362517.1 and 1 more transcripts); short protein forms C182*, C34*.
Identifiers: ClinVar variation 2105880 (VCV002105880.4), dbSNP rs2520272621, ClinGen allele CA413786814.

ClinVar aggregate classification (germline): Pathogenic (1 of 4 stars; one submission).

Submission:

Labcorp Genetics (formerly Invitae), Labcorp
Classification: Pathogenic. Last evaluated: 2022-03-04. Review status: criteria provided, single submitter. Criteria: Invitae Variant Classification Sherloc (09022015). Collection method: clinical testing. Allele origin: germline.
Comment: This sequence change creates a premature translational stop signal (p.Cys182*) in the CHM gene. It is expected to result in an absent or disrupted protein product. Loss-of-function variants in CHM are known to be pathogenic (PMID: 9067750, 23811034). This variant is not present in population databases (gnomAD no frequency). This variant has not been reported in the literature in individuals affected with CHM-related conditions. For these reasons, this variant has been classified as Pathogenic.

Literature cited by the submitters: PubMed 9067750; PubMed 23811034.